The following is an entry in ClinVar:

ClinVar aggregate classification (germline): Uncertain significance (1 of 4 stars; one submission).

Conditions:
Wilson disease (WND). Also called: Wilson's disease. Identifiers: Orphanet 905, MedGen C0019202, MONDO:0010200, OMIM 277900. Disease mechanism: loss of function.

Submission:

All of Us Research Program, National Institutes of Health
Classification: Uncertain significance for Wilson disease. Last evaluated: 2023-12-13. Review status: criteria provided, single submitter. Criteria: ACMG Guidelines, 2015. Collection method: clinical testing. Allele origin: germline. Inheritance: Autosomal recessive inheritance. Observed: 1 variant allele, 1 heterozygote.
Comment: This missense variant replaces phenylalanine with leucine at codon 924 of the ATP7B protein. Computational prediction suggests that this variant may have deleterious impact on protein structure and function (internally defined REVEL score threshold >= 0.7, PMID: 27666373). To our knowledge, functional studies have not been reported for this variant. This variant has not been reported in individuals affected with ATP7B-related disorders in the literature. This variant has not been identified in the general population by the Genome Aggregation Database (gnomAD). The available evidence is insufficient to determine the role of this variant in disease conclusively. Therefore, this variant is classified as a Variant of Uncertain Significance.

This study involves interpretation of variants in research participants for the purpose of population health screening. Participant phenotype was not available at the time of variant classification. Additional details can be found in publication PMID: 35346344, PMCID: PMC8962531

NM_000053.4(ATP7B):c.2770T>C (p.Phe924Leu)

Gene: ATP7B (ATPase copper transporting beta; minus strand). Cytogenetic location: 13q14.3.
Variant type: single nucleotide variant.
Coding change: c.2770T>C on transcript NM_000053.4 (MANE Select); coding-DNA position 2770, T replaced by C.
Protein change: p.Phe924Leu; replaces phenylalanine 924 with leucine.
Molecular consequence: missense variant. On other transcripts: intron variant (3).
Genome position (GRCh38, 1-based): chr13:51,949,757, A>G on the plus strand (T>C on the coding strand, the complement: ATP7B is on the minus strand). VCF-style: chr13-51949757-A-G. GRCh37 (hg19) VCF-style: chr13-52523893-A-G.
Other names: c.2437T>C, p.Phe813Leu (NM_001243182.2); c.2536T>C, p.Phe846Leu (NM_001330578.2, NM_001406527.1, NM_001406528.1 and 2 more transcripts); c.2518T>C, p.Phe840Leu (NM_001330579.2, NM_001406531.1, NM_001406532.1 and 1 more transcripts); c.2770T>C, p.Phe924Leu (NM_001406511.1, NM_001406512.1, NM_001406513.1 and 5 more transcripts); c.2737T>C, p.Phe913Leu (NM_001406514.1); c.2674T>C, p.Phe892Leu (NM_001406517.1, NM_001406518.1); c.2626T>C, p.Phe876Leu (NM_001406520.1, NM_001406521.1, NM_001406522.1 and 1 more transcripts); c.2593T>C, p.Phe865Leu (NM_001406524.1); and 10 more; short protein forms F494L, F708L, F730L, F762L, F781L, F808L, F813L, F814L.
Identifiers: ClinVar variation 3074863 (VCV003074863.1), dbSNP rs2547667029, ClinGen allele CA388033784.
Genomic context (GRCh38, chr13:51,949,757, plus strand): 5'-AACCGATTACAATCCATACCACCAACGTCAAAGTTGACATGATGATGATAAATGGGACAA[A>G]ATATCCACTAAACCGGTCAGCCAGCTGCTGAATGGGTGCCTATGAAAATAAAACACCAAG-3'
Protein context (NP_000044.2, residues 914-934): QQLADRFSGY[Phe924Leu]VPFIIIMSTL